The following is an entry in ClinVar:

NM_001244710.2(GFPT1):c.1955C>G (p.Thr652Arg)

Gene: GFPT1 (glutamine--fructose-6-phosphate transaminase 1; minus strand). Cytogenetic location: 2p13.3.
Variant type: single nucleotide variant.
Coding change: c.1955C>G on transcript NM_001244710.2 (MANE Select); coding-DNA position 1955, C replaced by G.
Protein change: p.Thr652Arg; replaces threonine 652 with arginine.
Molecular consequence: missense variant.
Genome position (GRCh38, 1-based): chr2:69,327,014, G>C on the plus strand (C>G on the coding strand, the complement: GFPT1 is on the minus strand). VCF-style: chr2-69327014-G-C. GRCh37 (hg19) VCF-style: chr2-69554146-G-C.
Other names: c.1901C>G, p.Thr634Arg (NM_002056.4); short protein forms T634R, T652R.
Identifiers: ClinVar variation 838067 (VCV000838067.9), dbSNP rs781377676, ClinGen allele CA1693528.
Genomic context (GRCh38, chr2:69,327,014, plus strand): 5'-TGTAAAGGGATCACGCTGAGAATGCCCTGCAAGCAGTCCACTGAGTGGGGCACCTTGATC[G>C]TTCTTTTTGTGTTCTTAATGGTCTCAGTATCCTCCTTATCACAAATTACCACAGGCCGCC-3'
Protein context (NP_001231639.1, residues 642-662): DTETIKNTKR[Thr652Arg]IKVPHSVDCL

ClinVar aggregate classification (germline): Uncertain significance (1 of 4 stars; one submission).

Conditions:
Congenital myasthenic syndrome 12 (CMS12). Also called: MYASTHENIC SYNDROME, CONGENITAL, WITH TUBULAR AGGREGATES 1; Myasthenia, congenital, 12, with tubular aggregates. Identifiers: Orphanet 353327, Orphanet 590, MedGen C3552335, MONDO:0012518, OMIM 610542.

gnomAD v4.1: 1 of 1,614,014 alleles (0.000062%); highest among the groups gnomAD compares: Non-Finnish European, 0.000085%; no homozygotes.

Submission:

Labcorp Genetics (formerly Invitae), Labcorp
Classification: Uncertain significance for Congenital myasthenic syndrome 12. Last evaluated: 2019-12-29. Review status: criteria provided, single submitter. Criteria: Invitae Variant Classification Sherloc (09022015). Collection method: clinical testing. Allele origin: germline.
Comment: In summary, the available evidence is currently insufficient to determine the role of this variant in disease. Therefore, it has been classified as a Variant of Uncertain Significance. Algorithms developed to predict the effect of missense changes on protein structure and function are either unavailable or do not agree on the potential impact of this missense change (SIFT: "Tolerated"; PolyPhen-2: "Possibly Damaging"; Align-GVGD: "Class C0"). This variant has not been reported in the literature in individuals with GFPT1-related conditions. This variant is present in population databases (rs781377676, ExAC 0.001%). This sequence change replaces threonine with arginine at codon 652 of the GFPT1 protein (p.Thr652Arg). The threonine residue is moderately conserved and there is a moderate physicochemical difference between threonine and arginine.